The following is an entry in ClinVar:

ClinVar aggregate classification (germline): Likely benign. Review status: criteria provided, multiple submitters, no conflicts (2 of 4 stars). 6 submissions from 6 submitters: Likely benign (5). 1 of the submissions does not count toward it. Last evaluated 2025-07-15.

Conditions:
Cardiovascular phenotype. Identifiers: MedGen CN230736.
TECRL-related disorder. Also called: TECRL-related condition.

Allele frequency attached by ClinVar (database versions not stated): gnomAD exomes 0.00014 and 0.00055; gnomAD 0.00023 and 0.00026; TOPMed 0.00025; ExAC 0.00052; 1000 Genomes Project 30x 0.00094; 1000 Genomes Project 0.00100.
gnomAD v4.1: 296 of 1,613,542 alleles (0.018%); highest among the groups gnomAD compares: East Asian, 0.51%; 1 homozygote.

Submissions (6):

Mayo Clinic Laboratories, Mayo Clinic
Classification: Likely benign. Last evaluated: 2025-07-15. Review status: criteria provided, single submitter. Criteria: ACMG Guidelines, 2015. Collection method: clinical testing. Allele origin: germline. Observed: 1 variant allele.
Comment: BS1, BP4, BP7

Women's Health and Genetics/Laboratory Corporation of America, LabCorp
Classification: Likely benign. Last evaluated: 2025-05-15. Review status: criteria provided, single submitter. Criteria: LabCorp Variant Classification Summary - May 2015. Collection method: clinical testing. Allele origin: germline.

Blueprint Genetics
Classification: Likely benign. Last evaluated: 2024-11-04. Review status: criteria provided, single submitter. Criteria: ACMG Guidelines, 2015. Collection method: clinical testing. Allele origin: germline.

GeneDx
Classification: Likely benign. Last evaluated: 2020-12-02. Review status: criteria provided, single submitter. Criteria: GeneDx Variant Classification Process June 2021. Collection method: clinical testing. Allele origin: germline. Affected: yes.

Ambry Genetics
Classification: Likely benign for Cardiovascular phenotype. Last evaluated: 2020-01-28. Review status: criteria provided, single submitter. Criteria: Ambry Variant Classification Scheme 2023. Collection method: clinical testing. Allele origin: germline.

PreventionGenetics, part of Exact Sciences
Classification: Likely benign for TECRL-related condition. Last evaluated: 2019-02-22. Review status: no assertion criteria provided. Collection method: clinical testing. Allele origin: germline. Not counted in ClinVar's aggregate classification.
Comment: This variant is classified as likely benign based on ACMG/AMP sequence variant interpretation guidelines (Richards et al. 2015 PMID: 25741868, with internal and published modifications).

NM_001010874.5(TECRL):c.36C>T (p.Arg12=)

Gene: TECRL (trans-2,3-enoyl-CoA reductase like; minus strand). Cytogenetic location: 4q13.1.
Variant type: single nucleotide variant.
Coding change: c.36C>T on transcript NM_001010874.5 (MANE Select); coding-DNA position 36, C replaced by T.
Protein change: p.Arg12=; no amino-acid change (arginine 12 retained).
Molecular consequence: synonymous variant.
Genome position (GRCh38, 1-based): chr4:64,409,316, G>A on the plus strand (C>T on the coding strand, the complement: TECRL is on the minus strand). VCF-style: chr4-64409316-G-A. GRCh37 (hg19) VCF-style: chr4-65275034-G-A.
Other names: p.Arg12=; c.36C>T, p.Arg12= (NM_001363796.1).
Identifiers: ClinVar variation 1194942 (VCV001194942.9), dbSNP rs181029762, ClinGen allele CA2935710.
Genomic context (GRCh38, chr4:64,409,316, plus strand): 5'-ATTTCTCATATCATCCTTCAGTATGAACCGTGTAGCTCTTTGGGAAAGTAATGCTCTCTT[G>A]CGTTCCGAAGCGAGGGACTTGTGCCTTTTGAACATTGTGTGAACTAAGAGGAGGGTCTGT-3'
Protein context (NP_001010874.2, residues 2-22): FKRHKSLASE[Arg12=]KRALLSQRAT